The following is an entry in ClinVar:

NM_000465.4(BARD1):c.830A>G (p.Glu277Gly)

Gene: BARD1 (BRCA1 associated RING domain 1; minus strand). Cytogenetic location: 2q35.
Variant type: single nucleotide variant.
Coding change: c.830A>G on transcript NM_000465.4 (MANE Select); coding-DNA position 830, A replaced by G.
Protein change: p.Glu277Gly; replaces glutamic acid 277 with glycine.
Molecular consequence: missense variant. On other transcripts: non-coding transcript variant (2), intron variant (3).
Genome position (GRCh38, 1-based): chr2:214,781,044, T>C on the plus strand (A>G on the coding strand, the complement: BARD1 is on the minus strand). VCF-style: chr2-214781044-T-C. GRCh37 (hg19) VCF-style: chr2-215645768-T-C.
Other names: c.773A>G, p.Glu258Gly (NM_001282543.2); c.158+28368A>G (NM_001282548.2); c.215+16017A>G (NM_001282545.2); c.364+11253A>G (NM_001282549.2); c.830A>G (NM_000465.2); short protein forms E277G, E258G.
Identifiers: ClinVar variation 490971 (VCV000490971.8), dbSNP rs1553622414, ClinGen allele CA350455399.

ClinVar aggregate classification (germline): Uncertain significance. Review status: criteria provided, multiple submitters, no conflicts (2 of 4 stars). 3 submissions from 3 submitters: Uncertain significance (3). Last evaluated 2023-12-05.

Conditions:
Hereditary cancer-predisposing syndrome. Also called: Hereditary Cancer Syndrome; Neoplastic Syndromes, Hereditary; Tumor predisposition; Hereditary neoplastic syndrome. Identifiers: Orphanet 140162, MedGen C0027672, MeSH D009386, MONDO:0015356.

Submissions (3):

Color Diagnostics, LLC DBA Color Health
Classification: Uncertain significance for Hereditary cancer-predisposing syndrome. Last evaluated: 2023-12-05. Review status: criteria provided, single submitter. Criteria: ACMG Guidelines, 2015. Collection method: clinical testing. Allele origin: germline.
Comment: This missense variant replaces glutamic acid with glycine at codon 277 of the BARD1 protein. Computational prediction suggests that this variant may not impact protein structure and function (internally defined REVEL score threshold <= 0.5, PMID: 27666373). To our knowledge, functional studies have not been reported for this variant. This variant has not been reported in individuals affected with BARD1-related disorders in the literature. This variant has not been identified in the general population by the Genome Aggregation Database (gnomAD). The available evidence is insufficient to determine the role of this variant in disease conclusively. Therefore, this variant is classified as a Variant of Uncertain Significance.

Ambry Genetics
Classification: Uncertain significance for Hereditary cancer-predisposing syndrome. Last evaluated: 2023-11-11. Review status: criteria provided, single submitter. Criteria: Ambry Variant Classification Scheme 2023. Collection method: clinical testing. Allele origin: germline.
Comment: The p.E277G variant (also known as c.830A>G), located in coding exon 4 of the BARD1 gene, results from an A to G substitution at nucleotide position 830. The glutamic acid at codon 277 is replaced by glycine, an amino acid with similar properties. This amino acid position is conserved. In addition, this alteration is predicted to be tolerated by in silico analysis. Since supporting evidence is limited at this time, the clinical significance of this alteration remains unclear.

GeneDx
Classification: Uncertain significance. Last evaluated: 2023-04-04. Review status: criteria provided, single submitter. Criteria: GeneDx Variant Classification Process June 2021. Collection method: clinical testing. Allele origin: germline. Affected: yes.
Comment: Not observed at significant frequency in large population cohorts (gnomAD); In silico analysis supports that this missense variant does not alter protein structure/function; Has not been previously published as pathogenic or benign to our knowledge